The following is an entry in ClinVar:

ClinVar aggregate classification (germline): Uncertain significance. Review status: criteria provided, multiple submitters, no conflicts (2 of 4 stars). 5 submissions from 5 submitters: Uncertain significance (5). Last evaluated 2026-09-09.

Conditions:
Autosomal recessive nonsyndromic hearing loss 18B. Also called: Deafness, autosomal recessive 18b. Identifiers: Orphanet 90636, MedGen C3554163, MONDO:0013985, OMIM 614945.
OTOG-related disorder. Also called: OTOG-related condition.

Allele frequency attached by ClinVar (database versions not stated): ExAC 0.00025; 1000 Genomes Project 30x 0.00031; gnomAD exomes 0.00038; 1000 Genomes Project 0.00040.
gnomAD v4.1: 938 of 1,550,532 alleles (0.06%); highest among the groups gnomAD compares: Middle Eastern, 0.13%; no homozygotes.

Submissions (5):

PreventionGenetics, part of Exact Sciences
Classification: Uncertain significance for OTOG-related condition. Last evaluated: 2026-09-09. Review status: criteria provided, single submitter. Criteria: ACMG Guidelines, 2015. Collection method: clinical testing. Allele origin: germline.
Comment: The OTOG c.6002C>G variant is predicted to result in the amino acid substitution p.Ala2001Gly. To our knowledge, this variant has not been reported in the literature. This variant is reported in 0.067% of alleles in individuals of European (Non-Finnish) descent in gnomAD. Although we suspect that this variant may be benign, at this time, the clinical significance of this variant is uncertain due to the absence of conclusive functional and genetic evidence.

GeneDx
Classification: Uncertain significance. Last evaluated: 2025-02-28. Review status: criteria provided, single submitter. Criteria: GeneDx Variant Classification Process June 2021. Collection method: clinical testing. Allele origin: germline. Affected: yes.
Comment: In silico analysis indicates that this missense variant does not alter protein structure/function; Has not been previously published as pathogenic or benign to our knowledge

Blueprint Genetics
Classification: Uncertain significance. Last evaluated: 2024-06-28. Review status: criteria provided, single submitter. Criteria: ACMG Guidelines, 2015. Collection method: clinical testing. Allele origin: germline.

Labcorp Genetics (formerly Invitae), Labcorp
Classification: Uncertain significance. Last evaluated: 2022-06-11. Review status: criteria provided, single submitter. Criteria: Invitae Variant Classification Sherloc (09022015). Collection method: clinical testing. Allele origin: germline.
Comment: This sequence change replaces alanine, which is neutral and non-polar, with glycine, which is neutral and non-polar, at codon 2001 of the OTOG protein (p.Ala2001Gly). This variant is present in population databases (rs577901245, gnomAD 0.07%). This variant has not been reported in the literature in individuals affected with OTOG-related conditions. ClinVar contains an entry for this variant (Variation ID: 1203854). Algorithms developed to predict the effect of missense changes on protein structure and function (SIFT, PolyPhen-2, Align-GVGD) all suggest that this variant is likely to be tolerated. In summary, the available evidence is currently insufficient to determine the role of this variant in disease. Therefore, it has been classified as a Variant of Uncertain Significance.

Fulgent Genetics
Classification: Uncertain significance for Autosomal recessive nonsyndromic hearing loss 18B. Last evaluated: 2021-07-26. Review status: criteria provided, single submitter. Criteria: ACMG Guidelines, 2015. Collection method: clinical testing. Allele origin: unknown.

NM_001292063.2(OTOG):c.5966C>G (p.Ala1989Gly)

Gene: OTOG (otogelin; plus strand). Cytogenetic location: 11p15.1.
Variant type: single nucleotide variant.
Coding change: c.5966C>G on transcript NM_001292063.2 (MANE Select); coding-DNA position 5966, C replaced by G.
Protein change: p.Ala1989Gly; replaces alanine 1989 with glycine.
Molecular consequence: missense variant.
Genome position (GRCh38, 1-based): chr11:17,611,266, C>G. VCF-style: chr11-17611266-C-G. GRCh37 (hg19) VCF-style: chr11-17632813-C-G.
Other names: c.6002C>G, p.Ala2001Gly (NM_001277269.2); short protein forms A1989G, A2001G.
Identifiers: ClinVar variation 1203854 (VCV001203854.13), dbSNP rs577901245, ClinGen allele CA5905970.